The following is an entry in ClinVar:

ClinVar aggregate classification (germline): Uncertain significance (1 of 4 stars; one submission).

Conditions:
Hereditary cancer-predisposing syndrome. Also called: Hereditary neoplastic syndrome; Tumor predisposition; Hereditary Cancer Syndrome; Neoplastic Syndromes, Hereditary. Identifiers: Orphanet 140162, MedGen C0027672, MeSH D009386, MONDO:0015356.

Submission:

Ambry Genetics
Classification: Uncertain significance for Hereditary cancer-predisposing syndrome. Last evaluated: 2023-08-18. Review status: criteria provided, single submitter. Criteria: Ambry Variant Classification Scheme 2023. Collection method: clinical testing. Allele origin: germline.
Comment: The p.N208H variant (also known as c.622A>C), located in coding exon 6 of the MRE11A gene, results from an A to C substitution at nucleotide position 622. The asparagine at codon 208 is replaced by histidine, an amino acid with similar properties. This amino acid position is conserved. In addition, this alteration is predicted to be tolerated by in silico analysis. Since supporting evidence is limited at this time, the clinical significance of this alteration remains unclear.

NM_005591.4(MRE11):c.622A>C (p.Asn208His)

Gene: MRE11 (MRE11 double strand break repair nuclease; minus strand). Cytogenetic location: 11q21.
Variant type: single nucleotide variant.
Coding change: c.622A>C on transcript NM_005591.4 (MANE Select); coding-DNA position 622, A replaced by C.
Protein change: p.Asn208His; replaces asparagine 208 with histidine.
Molecular consequence: missense variant.
Genome position (GRCh38, 1-based): chr11:94,476,326, T>G on the plus strand (A>C on the coding strand, the complement: MRE11 is on the minus strand). VCF-style: chr11-94476326-T-G. GRCh37 (hg19) VCF-style: chr11-94209492-T-G.
Other names: c.622A>C, p.Asn208His (NM_001330347.2, NM_005590.4); short protein forms N208H.
Identifiers: ClinVar variation 2586214 (VCV002586214.2), dbSNP rs2496534790, ClinGen allele CA382376689.